The following is an entry in ClinVar:

NC_000012.12:g.121641237G>T

Gene: ORAI1 (ORAI calcium release-activated calcium modulator 1; plus strand). Cytogenetic location: 12q24.31.
Variant type: single nucleotide variant.
Genome position: GRCh38 VCF-style: chr12-121641237-G-T. GRCh37 (hg19) VCF-style: chr12-122079143-G-T.
Other names: c.500G>T, p.Arg167Leu (NM_032790.4); short protein forms R167L.
Identifiers: ClinVar variation 1720377 (VCV001720377.6), dbSNP rs782716897, ClinGen allele CA386983348.

ClinVar aggregate classification (germline): Uncertain significance (1 of 4 stars; one submission).

Conditions:
Combined immunodeficiency due to ORAI1 deficiency. Also called: IMMUNODEFICIENCY 9. Identifiers: Orphanet 169090, Orphanet 317428, MedGen C2748568, MONDO:0013007, OMIM 612782.
Myopathy, tubular aggregate, 2 (TAM2). Identifiers: MedGen C4014557, MONDO:0014383, OMIM 615883.

Submission:

Labcorp Genetics (formerly Invitae), Labcorp
Classification: Uncertain significance for Myopathy, tubular aggregate, 2; Combined immunodeficiency due to ORAI1 deficiency. Last evaluated: 2022-09-26. Review status: criteria provided, single submitter. Criteria: Invitae Variant Classification Sherloc (09022015). Collection method: clinical testing. Allele origin: germline.
Comment: This variant has not been reported in the literature in individuals affected with ORAI1-related conditions. This sequence change replaces arginine, which is basic and polar, with leucine, which is neutral and non-polar, at codon 167 of the ORAI1 protein (p.Arg167Leu). This variant is not present in population databases (gnomAD no frequency). Experimental studies and prediction algorithms are not available or were not evaluated, and the functional significance of this variant is currently unknown. In summary, the available evidence is currently insufficient to determine the role of this variant in disease. Therefore, it has been classified as a Variant of Uncertain Significance.